The following is an entry in ClinVar:

ClinVar aggregate classification (germline): Benign. Review status: criteria provided, single submitter (1 of 4 stars). 2 submissions from 2 submitters: Benign (1). 1 of the submissions does not count toward it. Last evaluated 2025-01-16.

Conditions:
Familial cancer of breast. Also called: BREAST CANCER, FAMILIAL; hereditary breast carcinoma; Hereditary breast cancer. Identifiers: Orphanet 227535, MedGen C0346153, MONDO:0016419, OMIM 114480. Disease mechanism: loss of function.

Submissions (2):

Myriad Genetics, Inc.
Classification: Benign for Familial cancer of breast. Last evaluated: 2025-01-16. Review status: criteria provided, single submitter. Criteria: Myriad Autosomal Dominant, Autosomal Recessive and X-Linked Classification Criteria (2023). Collection method: clinical testing. Allele origin: unknown.
Comment: This variant is considered benign. This variant is a silent/synonymous amino acid change and it is not expected to impact splicing.

Leiden Open Variation Database
Classification: Likely benign for Familial cancer of breast. Last evaluated: 2019-05-13. Review status: no assertion criteria provided. Collection method: curation. Allele origin: germline. Affected: yes. Not counted in ClinVar's aggregate classification.
Comment: Curators: Marc Tischkowitz, Arleen D. Auerbach. Submitter to LOVD: Marc Tischkowitz.

Literature cited by the submitters: PubMed 23448497 (cited by Leiden Open Variation Database).

NM_024675.4(PALB2):c.2469C>A (p.Leu823=)

Gene: PALB2 (partner and localizer of BRCA2; minus strand). Cytogenetic location: 16p12.2.
Variant type: single nucleotide variant.
Coding change: c.2469C>A on transcript NM_024675.4 (MANE Select); coding-DNA position 2469, C replaced by A.
Protein change: p.Leu823=; no amino-acid change (leucine 823 retained).
Molecular consequence: synonymous variant.
Genome position (GRCh38, 1-based): chr16:23,629,685, G>T on the plus strand (C>A on the coding strand, the complement: PALB2 is on the minus strand). VCF-style: chr16-23629685-G-T. GRCh37 (hg19) VCF-style: chr16-23641006-G-T.
Identifiers: ClinVar variation 126654 (VCV000126654.4), dbSNP rs515726087, ClinGen allele CA269534.